The following is an entry in ClinVar:

ClinVar aggregate classification (germline): Uncertain significance (1 of 4 stars; one submission).

Conditions:
Autosomal dominant limb-girdle muscular dystrophy type 1G (LGMDD3). Also called: Limb-girdle muscular dystrophy, type 1G; MUSCULAR DYSTROPHY, LIMB-GIRDLE, AUTOSOMAL DOMINANT 3. Identifiers: Orphanet 55596, MedGen C1836765, MONDO:0012193, OMIM 609115.

Allele frequency attached by ClinVar (database versions not stated): gnomAD exomes below 0.00001.

Submission:

Labcorp Genetics (formerly Invitae), Labcorp
Classification: Uncertain significance for Autosomal dominant limb-girdle muscular dystrophy type 1G. Last evaluated: 2023-06-27. Review status: criteria provided, single submitter. Criteria: Invitae Variant Classification Sherloc (09022015). Collection method: clinical testing. Allele origin: germline.
Comment: This sequence change replaces leucine, which is neutral and non-polar, with proline, which is neutral and non-polar, at codon 264 of the HNRNPDL protein (p.Leu264Pro). In summary, the available evidence is currently insufficient to determine the role of this variant in disease. Therefore, it has been classified as a Variant of Uncertain Significance. An algorithm developed to predict the effect of missense changes on protein structure and function (PolyPhen-2) suggests that this variant is likely to be disruptive. This variant has not been reported in the literature in individuals affected with HNRNPDL-related conditions. This variant is present in population databases (rs747527962, gnomAD 0.004%).

NM_031372.4(HNRNPDL):c.791T>C (p.Leu264Pro)

Gene: HNRNPDL (heterogeneous nuclear ribonucleoprotein D like; minus strand). Cytogenetic location: 4q21.22.
Variant type: single nucleotide variant.
Coding change: c.791T>C on transcript NM_031372.4 (MANE Select); coding-DNA position 791, T replaced by C.
Protein change: p.Leu264Pro; replaces leucine 264 with proline.
Molecular consequence: missense variant. On other transcripts: non-coding transcript variant (1).
Genome position (GRCh38, 1-based): chr4:82,427,548, A>G on the plus strand (T>C on the coding strand, the complement: HNRNPDL is on the minus strand). VCF-style: chr4-82427548-A-G. GRCh37 (hg19) VCF-style: chr4-83348701-A-G.
Other names: c.791T>C, p.Leu264Pro (NM_001207000.1); short protein forms L264P.
Identifiers: ClinVar variation 2725136 (VCV002725136.3), dbSNP rs747527962, ClinGen allele CA100596291.